The following is an entry in ClinVar:

ClinVar aggregate classification (germline): Pathogenic/Likely pathogenic. Review status: criteria provided, multiple submitters, no conflicts (2 of 4 stars). 2 submissions from 2 submitters: Pathogenic (1); Likely pathogenic (1). Last evaluated 2022-05-22.

Conditions:
Retinitis pigmentosa 3. Also called: CHOROIDORETINAL DEGENERATION WITH RETINAL REFLEX IN HETEROZYGOUS WOMEN. Identifiers: Orphanet 791, MedGen C1845667, MONDO:0010227, OMIM 300029.

Submissions (2):

3billion
Classification: Likely pathogenic for Retinitis pigmentosa 3. Last evaluated: 2022-05-22. Review status: criteria provided, single submitter. Criteria: ACMG Guidelines, 2015. Collection method: clinical testing. Allele origin: germline. Affected: yes. Observed: 1 hemizygote.
Comment: The variant is not observed in the gnomAD v2.1.1 dataset. Stop-gained (nonsense): predicted to result in a loss or disruption of normal protein function through protein truncation. The predicted truncated protein may be shortened by more than 10%. Therefore, this variant is classified as likely pathogenic according to the recommendation of ACMG/AMP guideline.

PreventionGenetics, part of Exact Sciences
Classification: Pathogenic. Last evaluated: 2021-02-11. Review status: criteria provided, single submitter. Criteria: ACMG Guidelines, 2015. Collection method: clinical testing. Allele origin: germline.

NM_001034853.2(RPGR):c.2257G>T (p.Gly753Ter)

Gene: RPGR (retinitis pigmentosa GTPase regulator; minus strand). Cytogenetic location: Xp11.4.
Variant type: single nucleotide variant.
Coding change: c.2257G>T on transcript NM_001034853.2 (MANE Select); coding-DNA position 2257, G replaced by T.
Protein change: p.Gly753Ter; replaces glycine 753 with a stop codon.
Molecular consequence: nonsense. On other transcripts: intron variant (8).
Genome position (GRCh38, 1-based): chrX:38,286,742, C>A on the plus strand (G>T on the coding strand, the complement: RPGR is on the minus strand). VCF-style: chrX-38286742-C-A. GRCh37 (hg19) VCF-style: chrX-38145995-C-A.
Other names: c.1569+4217G>T (NM_001367249.1, NM_001367250.1); c.1902+352G>T (NM_001367245.1); c.1386+4217G>T (NM_001367251.1); c.1719+352G>T (NM_001367246.1); c.1572+4217G>T (NM_001367247.1); c.1905+352G>T (NM_000328.3); c.1602+4217G>T (NM_001367248.1); c.2257G>T (NM_001034853.1); short protein forms G753*.
Identifiers: ClinVar variation 1687368 (VCV001687368.3), dbSNP rs267606453, ClinGen allele CA412731068.